The following is an entry in ClinVar:

ClinVar aggregate classification (germline): Benign/Likely benign. Review status: criteria provided, multiple submitters, no conflicts (2 of 4 stars). 2 submissions from 2 submitters: Benign (1); Likely benign (1). Last evaluated 2018-01-12.

Conditions:
COG7 congenital disorder of glycosylation (CDG2E). Also called: CONGENITAL DISORDER OF GLYCOSYLATION, TYPE IIe; CDG IIe. Identifiers: Orphanet 79333, MedGen C2931010, MONDO:0012118, OMIM 608779.

Allele frequency attached by ClinVar (database versions not stated): ExAC 0.00268; 1000 Genomes Project 0.00799; gnomAD 0.00813 and 0.00885; 1000 Genomes Project 30x 0.00859; TOPMed 0.00972; ESP Exome Variant Server 0.00993.
gnomAD v4.1: 2,490 of 1,613,938 alleles (0.15%); highest among the groups gnomAD compares: African/African-American, 2.9%; 33 homozygotes.

Submissions (2):

Illumina Laboratory Services, Illumina
Classification: Likely benign for COG7 congenital disorder of glycosylation. Last evaluated: 2018-01-12. Review status: criteria provided, single submitter. Criteria: ICSL Variant Classification Criteria 13 December 2019. Collection method: clinical testing. Allele origin: germline.
Comment: This variant was observed in the ICSL laboratory as part of a predisposition screen in an ostensibly healthy population. It had not been previously curated by ICSL or reported in the Human Gene Mutation Database (HGMD: prior to June 1st, 2018), and was therefore a candidate for classification through an automated scoring system. Utilizing variant allele frequency, disease prevalence and penetrance estimates, and inheritance mode, an automated score was calculated to assess if this variant is too frequent to cause the disease. Based on the score and internal cut-off values, a variant classified as likely benign is not then subjected to further curation. The score for this variant resulted in a classification of likely benign for this disease.

GeneDx
Classification: Benign. Last evaluated: 2017-01-03. Review status: criteria provided, single submitter. Criteria: GeneDx Variant Classification (06012015). Collection method: clinical testing. Allele origin: germline. Affected: yes.
Comment: This variant is considered likely benign or benign based on one or more of the following criteria: it is a conservative change, it occurs at a poorly conserved position in the protein, it is predicted to be benign by multiple in silico algorithms, and/or has population frequency not consistent with disease.

NM_153603.4(COG7):c.*9C>A

Gene: COG7 (component of oligomeric golgi complex 7; minus strand). Cytogenetic location: 16p12.2.
Variant type: single nucleotide variant.
Coding change: c.*9C>A on transcript NM_153603.4 (MANE Select); 9 bases downstream of the stop codon, C replaced by A.
Molecular consequence: 3 prime UTR variant.
Genome position (GRCh38, 1-based): chr16:23,388,911, G>T on the plus strand (C>A on the coding strand, the complement: COG7 is on the minus strand). VCF-style: chr16-23388911-G-T. GRCh37 (hg19) VCF-style: chr16-23400232-G-T.
Identifiers: ClinVar variation 383906 (VCV000383906.5), dbSNP rs139833665, ClinGen allele CA7960706.